The following is an entry in ClinVar:

ClinVar aggregate classification (germline): Likely pathogenic (1 of 4 stars; one submission).

Submission:

GeneDx
Classification: Likely pathogenic. Last evaluated: 2022-11-06. Review status: criteria provided, single submitter. Criteria: GeneDx Variant Classification Process June 2021. Collection method: clinical testing. Allele origin: germline. Affected: yes.
Comment: Canonical splice site variant predicted to result in a null allele in a gene for which loss of function is a known mechanism of disease; Not observed at significant frequency in large population cohorts (gnomAD); Has not been previously published as pathogenic or benign to our knowledge

NM_020320.5(RARS2):c.612+2T>A

Gene: RARS2 (arginyl-tRNA synthetase 2, mitochondrial; minus strand). Cytogenetic location: 6q15.
Variant type: single nucleotide variant.
Coding change: c.612+2T>A on transcript NM_020320.5 (MANE Select); the canonical splice donor site of the intron after coding-DNA position 612, T replaced by A.
Molecular consequence: splice donor variant.
Genome position (GRCh38, 1-based): chr6:87,541,916, A>T on the plus strand (T>A on the coding strand, the complement: RARS2 is on the minus strand). VCF-style: chr6-87541916-A-T. GRCh37 (hg19) VCF-style: chr6-88251634-A-T.
Other names: c.612+2T>A (NM_001350505.2); c.87+2T>A (NM_001350509.2, NM_001318785.2, NM_001350506.2 and 4 more transcripts).
Identifiers: ClinVar variation 1723623 (VCV001723623.2), dbSNP rs2484020419, ClinGen allele CA364931467.
Genomic context (GRCh38, chr6:87,541,916, plus strand): 5'-AACATGTTACTAAGCTACATAGTACTCTGAAAAATTTTTGAAATGTTTTCTTGCCAACTT[A>T]CTTCAAAGAGATGCTGTAGAGGATTGGACTGCAGTTTTTCCTCATAGCCAAACAGCTGGA-3'